The following is an entry in ClinVar:

ClinVar aggregate classification (germline): Uncertain significance (1 of 4 stars; one submission).

Conditions:
Epidermolysis bullosa simplex 3, localized or generalized intermediate, with BP230 deficiency (EBS3). Also called: Epidermolysis bullosa simplex, autosomal recessive 2; Epidermolysis bullosa simplex due to BP230 deficiency. Identifiers: Orphanet 412181, MedGen C3809470, MONDO:0014180, OMIM 615425.
Hereditary sensory and autonomic neuropathy type 6. Also called: HSAN VI; Neuropathy, hereditary sensory and autonomic, type VI. Identifiers: Orphanet 314381, MedGen C3539003, MONDO:0013839, OMIM 614653.

gnomAD v4.1: 1 of 1,613,996 alleles (0.000062%); highest among the groups gnomAD compares: South Asian, 0.0011%; no homozygotes.

Submission:

Labcorp Genetics (formerly Invitae), Labcorp
Classification: Uncertain significance for Epidermolysis bullosa simplex 3, localized or generalized intermediate, with BP230 deficiency; Hereditary sensory and autonomic neuropathy type 6. Last evaluated: 2021-11-22. Review status: criteria provided, single submitter. Criteria: Invitae Variant Classification Sherloc (09022015). Collection method: clinical testing. Allele origin: germline.
Comment: This variant has not been reported in the literature in individuals affected with DST-related conditions. In summary, the available evidence is currently insufficient to determine the role of this variant in disease. Therefore, it has been classified as a Variant of Uncertain Significance. Experimental studies and prediction algorithms are not available or were not evaluated, and the functional significance of this variant is currently unknown. This variant is not present in population databases (gnomAD no frequency). This sequence change replaces alanine, which is neutral and non-polar, with threonine, which is neutral and polar, at codon 2359 of the DST protein (p.Ala2359Thr). The DST gene has multiple clinically relevant transcripts. This variant occurs in alternate transcript NM_015548.4, and corresponds to NM_001723.5:c.*59980G>A in the primary transcript.

NM_001374736.1(DST):c.14944G>A (p.Ala4982Thr)

Gene: DST (dystonin; minus strand). Cytogenetic location: 6p12.1.
Variant type: single nucleotide variant.
Coding change: c.14944G>A on transcript NM_001374736.1 (MANE Select); coding-DNA position 14944, G replaced by A.
Protein change: p.Ala4982Thr; replaces alanine 4982 with threonine.
Molecular consequence: missense variant.
Genome position (GRCh38, 1-based): chr6:56,555,537, C>T on the plus strand (G>A on the coding strand, the complement: DST is on the minus strand). VCF-style: chr6-56555537-C-T. GRCh37 (hg19) VCF-style: chr6-56420335-C-T.
Other names: c.8587G>A, p.Ala2863Thr (NM_001144769.5); c.8173G>A, p.Ala2725Thr (NM_001144770.2); c.14944G>A, p.Ala4982Thr (NM_001374722.1); c.14311G>A, p.Ala4771Thr (NM_001374729.1); c.8053G>A, p.Ala2685Thr (NM_001374730.1, NM_001386100.1, NM_183380.4); c.14971G>A, p.Ala4991Thr (NM_001374734.1); c.7075G>A, p.Ala2359Thr (NM_015548.5); short protein forms A4982T, A2685T, A4771T, A2359T, A2725T, A2863T, A4991T.
Identifiers: ClinVar variation 1394475 (VCV001394475.6), dbSNP rs2152559788, ClinGen allele CA364518880.